The following is an entry in ClinVar:

NM_001009944.3(PKD1):c.3316C>G (p.Leu1106Val)

Gene: PKD1 (polycystin 1, transient receptor potential channel interacting; minus strand). Cytogenetic location: 16p13.3.
Variant type: single nucleotide variant.
Coding change: c.3316C>G on transcript NM_001009944.3 (MANE Select); coding-DNA position 3316, C replaced by G.
Protein change: p.Leu1106Val; replaces leucine 1106 with valine.
Molecular consequence: missense variant.
Genome position (GRCh38, 1-based): chr16:2,111,851, G>C on the plus strand (C>G on the coding strand, the complement: PKD1 is on the minus strand). VCF-style: chr16-2111851-G-C. GRCh37 (hg19) VCF-style: chr16-2161852-G-C.
Other names: c.3316C>G, p.Leu1106Val (NM_000296.4); short protein forms L1106V.
Identifiers: ClinVar variation 618285 (VCV000618285.45), dbSNP rs141625744, ClinGen allele CA7832812.
Genomic context (GRCh38, chr16:2,111,851, plus strand): 5'-GGGAGGCGCGCACGCTCACAGGCACCTGCTGCGTCAGGTTCTCGAAGGCATTAGATGCCA[G>C]CACGGTCAGGAGGTACTCACCTGTGGGGACAGGCCCGAGTGGGGCAGCCGCGGCACCCCC-3'
Protein context (NP_001009944.3, residues 1096-1116): AAPGEYLLTV[Leu1106Val]ASNAFENLTQ

ClinVar aggregate classification (germline): Benign/Likely benign. Review status: criteria provided, multiple submitters, no conflicts (2 of 4 stars). 12 submissions from 12 submitters: Benign (1); Likely benign (7). 4 of the submissions do not count toward it. Last evaluated 2026-09-01.

Conditions:
Polycystic kidney disease, adult type (PKD1). Also called: POLYCYSTIC KIDNEY DISEASE 1 WITH OR WITHOUT POLYCYSTIC LIVER DISEASE; Polycystic Kidney Disease 1, Autosomal Dominant; Polycystic kidney disease 1; Polycystic kidney disease 1, severe; POLYCYSTIC KIDNEY DISEASE, ADULT, TYPE I; Polycystic Kidney, Autosomal Dominant. Identifiers: MedGen C3149841, MONDO:0008263, OMIM 173900.
Polycystic kidney disease. Also called: Kidney, Polycystic; Polycystic kidney dysplasia. Identifiers: MedGen C0022680, MeSH D007690, MONDO:0020642, HP:0000113.

Allele frequency attached by ClinVar (database versions not stated): ESP Exome Variant Server 0.00301; 1000 Genomes Project 30x 0.00047; 1000 Genomes Project 0.00060; gnomAD 0.00216 and 0.00226; TOPMed 0.00225; gnomAD exomes 0.00234; ExAC 0.00252.
gnomAD v4.1: 4,849 of 1,610,294 alleles (0.3%); highest among the groups gnomAD compares: Non-Finnish European, 0.37%; 11 homozygotes.

Submissions (12):

CeGaT Center for Human Genetics Tuebingen
Classification: Likely benign. Last evaluated: 2026-09-01. Review status: criteria provided, single submitter. Criteria: CeGaT Center For Human Genetics Tuebingen Variant Classification Criteria Version 2. Collection method: clinical testing. Allele origin: germline. Affected: yes. Observed: 8 variant alleles.
Comment: PKD1: BP4

Women's Health and Genetics/Laboratory Corporation of America, LabCorp
Classification: Likely benign. Last evaluated: 2026-07-02. Review status: criteria provided, single submitter. Criteria: LabCorp Variant Classification Summary - May 2015. Collection method: clinical testing. Allele origin: germline.
Comment: Variant summary: PKD1 c.3316C>G (p.Leu1106Val) results in a conservative amino acid change in the encoded protein sequence. Algorithms developed to predict the effect of missense changes on protein structure and function all suggest that this variant is likely to be tolerated. The variant allele was found at a frequency of 0.0023 in 244918 control chromosomes, predominantly at a frequency of 0.004 within the Non-Finnish European subpopulation in the gnomAD database. The observed variant frequency within Non-Finnish European control individuals in the gnomAD database exceeds the estimated maximal expected allele frequency for disease-causing variants in PKD1. To our knowledge, no occurrence of c.3316C>G in individuals affected with PKD1-related conditions and no experimental evidence demonstrating its impact on protein function have been reported. ClinVar contains an entry for this variant (Variation ID: 618285). Based on the evidence outlined above, the variant was classified as likely benign.

Blueprint Genetics
Classification: Likely benign. Last evaluated: 2024-11-27. Review status: criteria provided, single submitter. Criteria: ACMG Guidelines, 2015. Collection method: clinical testing. Allele origin: germline.

Mayo Clinic Laboratories, Mayo Clinic
Classification: Likely benign. Last evaluated: 2024-05-28. Review status: criteria provided, single submitter. Criteria: ACMG Guidelines, 2015. Collection method: clinical testing. Allele origin: germline. Observed: 8 variant alleles.
Comment: BS1, BP4

Fulgent Genetics
Classification: Likely benign for Polycystic kidney disease, adult type. Last evaluated: 2021-10-21. Review status: criteria provided, single submitter. Criteria: ACMG Guidelines, 2015. Collection method: clinical testing. Allele origin: unknown.

GeneDx
Classification: Likely benign. Last evaluated: 2021-02-10. Review status: criteria provided, single submitter. Criteria: GeneDx Variant Classification Process June 2021. Collection method: clinical testing. Allele origin: germline. Affected: yes.
Comment: In silico analysis, which includes protein predictors and evolutionary conservation, supports that this variant does not alter protein structure/function; This variant is associated with the following publications: (PMID: 22383692, 17574468, 17582161)

ARUP Laboratories, Molecular Genetics and Genomics, ARUP Laboratories
Classification: Likely benign for Polycystic kidney disease, adult type. Last evaluated: 2019-04-03. Review status: criteria provided, single submitter. Criteria: ARUP Molecular Germline Variant Investigation Process. Collection method: clinical testing. Allele origin: germline.

Athena Diagnostics
Classification: Benign. Last evaluated: 2018-09-27. Review status: criteria provided, single submitter. Criteria: Athena Diagnostics Criteria. Collection method: clinical testing. Allele origin: germline.

Clinical Genetics DNA and cytogenetics Diagnostics Lab, Erasmus MC, Erasmus Medical Center
Classification: Likely benign. Review status: no assertion criteria provided. Collection method: clinical testing. Allele origin: germline. Affected: yes. Study: VKGL Data-share Consensus. Not counted in ClinVar's aggregate classification.

Department of Pathology and Laboratory Medicine, Sinai Health System
Classification: Likely benign for Polycystic Kidney disease. Review status: no assertion criteria provided. Collection method: clinical testing. Allele origin: unknown. Affected: yes. Study: The Canadian Open Genetics Repository (COGR). Not counted in ClinVar's aggregate classification.
Comment: The PKD1 p.Leu1106Val variant was identified in 3 of 864 proband chromosomes (frequency: 0.003) from individuals or families with polycystic kidney disease and was not identified in 58 control chromosomes from healthy individuals (Rossetti 2007, Rossetti 2012). The variant was also identified in dbSNP (ID: rs141625744) and the ADPKD Mutation Database (likely neutral). The variant was not identified in ClinVar, Clinvitae, GeneInsight-COGR, LOVD 3.0, or the PKD1-LOVD database. The variant was identified in control databases in 621 of 272384 chromosomes (1 homozygous) at a frequency of 0.002 increasing the likelihood this could be a low frequency benign variant (Genome Aggregation Database Feb 27, 2017). Breakdown of the observations by population include African in 12 of 23738 chromosomes (freq: 0.0005), Other in 9 of 6386 chromosomes (freq: 0.001), Latino in 40 of 34364 chromosomes (freq: 0.001), European in 475 of 122708 chromosomes (freq: 0.004), Ashkenazi Jewish in 54 of 10070 chromosomes (freq: 0.005), East Asian in 16 of 18796 chromosomes (freq: 0.0009), Finnish in 14 of 25560 chromosomes (freq: 0.0005), and South Asian in 1 of 30762 chromosomes (freq: 0.00003). In addition we cannot be certain that data from control databases is specific to PKD1 and not from one of the six PKD1 pseudogenes. Studies by Rosetti list this variant as a polymorphism (Rossetti 2007, Rossetti 2012). The p.Leu1106 residue is not conserved in mammals and computational analyses (PolyPhen-2, SIFT, AlignGVGD, BLOSUM, MutationTaster) do not suggest a high likelihood of impact to the protein; however, this information is not predictive enough to rule out pathogenicity. The variant occurs outside of the splicing consensus sequence and 1 of 5 in silico or computational prediction software programs (SpliceSiteFinder, MaxEntScan, NNSPLICE, GeneSplicer, HumanSpliceFinder) predict a greater than 10% difference in splicing; this is not very predictive of pathogenicity. In summary, based on the above information the clinical significance of this variant cannot be determined with certainty at this time although we would lean towards a more benign role for this variant. This variant is classified as likely benign.

Genome Diagnostics Laboratory, University Medical Center Utrecht
Classification: Likely benign. Review status: no assertion criteria provided. Collection method: clinical testing. Allele origin: germline. Affected: yes. Study: VKGL Data-share Consensus. Not counted in ClinVar's aggregate classification.

Laboratory of Diagnostic Genome Analysis, Leiden University Medical Center (LUMC)
Classification: Likely benign. Review status: no assertion criteria provided. Collection method: clinical testing. Allele origin: germline. Affected: yes. Study: VKGL Data-share Consensus. Not counted in ClinVar's aggregate classification.

Literature cited by the submitters: PubMed 17582161 (cited by Mayo Clinic Laboratories, Mayo Clinic and Athena Diagnostics); PubMed 32203225 (cited by Mayo Clinic Laboratories, Mayo Clinic); PubMed 17574468 (cited by Athena Diagnostics).